The following is an entry in ClinVar:

NM_018993.4(RIN2):c.814_826del (p.Ile272fs)

Gene: RIN2 (Ras and Rab interactor 2; plus strand). Cytogenetic location: 20p11.23.
Variant type: Deletion.
Coding change: c.814_826del on transcript NM_018993.4 (MANE Select); coding-DNA positions 814 to 826, 13 bases deleted (ATTAATCCCCTTT).
Protein change: p.Ile272fs; shifts the reading frame from isoleucine 272.
Molecular consequence: frameshift variant.
Genome position (GRCh38, 1-based): chr20:19,974,839-19,974,851, ATTAATCCCCTTT deleted; deleting any 13 consecutive bases within chr20:19,974,835-19,974,851 gives the same sequence; the c. name uses the placement nearest the transcript's 3' end. VCF-style (leftmost placement, unchanged base first): chr20-19974834-GCTTTATTAATCCC-G. GRCh37 (hg19) VCF-style: chr20-19955478-GCTTTATTAATCCC-G.
Other names: c.961_973del, p.Ile321fs (NM_001242581.2); c.196_208del, p.Ile66fs (NM_001378238.1); short protein forms I66fs, I272fs, I321fs.
Identifiers: ClinVar variation 2127246 (VCV002127246.4), dbSNP rs2515506445, ClinGen allele CA2580098036.

ClinVar aggregate classification (germline): Pathogenic (1 of 4 stars; one submission).

Submission:

Labcorp Genetics (formerly Invitae), Labcorp
Classification: Pathogenic. Last evaluated: 2024-10-21. Review status: criteria provided, single submitter. Criteria: Invitae Variant Classification Sherloc (09022015). Collection method: clinical testing. Allele origin: germline.
Comment: This sequence change creates a premature translational stop signal (p.Ile272Serfs*2) in the RIN2 gene. It is expected to result in an absent or disrupted protein product. Loss-of-function variants in RIN2 are known to be pathogenic (PMID: 19631308). This variant is not present in population databases (gnomAD no frequency). This variant has not been reported in the literature in individuals affected with RIN2-related conditions. ClinVar contains an entry for this variant (Variation ID: 2127246). For these reasons, this variant has been classified as Pathogenic.

Literature cited by the submitters: PubMed 19631308.